The following is an entry in ClinVar:

NM_005051.3(QARS1):c.1388G>A (p.Arg463Gln)

Gene: QARS1 (glutaminyl-tRNA synthetase 1; minus strand). Cytogenetic location: 3p21.31.
Variant type: single nucleotide variant.
Coding change: c.1388G>A on transcript NM_005051.3 (MANE Select); coding-DNA position 1388, G replaced by A.
Protein change: p.Arg463Gln; replaces arginine 463 with glutamine.
Molecular consequence: missense variant. On other transcripts: non-coding transcript variant (1).
Genome position (GRCh38, 1-based): chr3:49,099,761, C>T on the plus strand (G>A on the coding strand, the complement: QARS1 is on the minus strand). VCF-style: chr3-49099761-C-T. GRCh37 (hg19) VCF-style: chr3-49137194-C-T.
Other names: c.1355G>A, p.Arg452Gln (NM_001272073.2); short protein forms R463Q, R452Q.
Identifiers: ClinVar variation 544131 (VCV000544131.7), dbSNP rs374178767, ClinGen allele CA74473619.
Genomic context (GRCh38, chr3:49,099,761, plus strand): 5'-CACAGGAAGGGCTGCTGGAATTCCACTGGCCCTACCACCCCATGGACCCAGCTCCCTCAC[C>T]GGGCCTGGAATTCCTTGGTGCAGAGTGAGTGAGTGATGTGCTCGATGGAGTCACAGAGGC-3'
Protein context (NP_005042.1, residues 453-473): HSLCTKEFQA[Arg463Gln]RSSYFWLCNA

ClinVar aggregate classification (germline): Uncertain significance (1 of 4 stars; one submission).

Conditions:
Diffuse cerebral and cerebellar atrophy - intractable seizures - progressive microcephaly syndrome. Also called: Microcephaly, progressive, with seizures and cerebral and cerebellar atrophy. Identifiers: Orphanet 404437, MedGen C4014239, MONDO:0014335, OMIM 615760.

Allele frequency attached by ClinVar (database versions not stated): gnomAD exomes below 0.00001; TOPMed below 0.00001; ESP Exome Variant Server 0.00008.

Submission:

Labcorp Genetics (formerly Invitae), Labcorp
Classification: Uncertain significance for Diffuse cerebral and cerebellar atrophy - intractable seizures - progressive microcephaly syndrome. Last evaluated: 2019-09-15. Review status: criteria provided, single submitter. Criteria: Invitae Variant Classification Sherloc (09022015). Collection method: clinical testing. Allele origin: germline.
Comment: Nucleotide substitutions within the consensus splice site are a relatively common cause of aberrant splicing (PMID: 17576681, 9536098). Algorithms developed to predict the effect of sequence changes on RNA splicing suggest that this variant may disrupt the consensus splice site, but this prediction has not been confirmed by published transcriptional studies. Algorithms developed to predict the effect of missense changes on protein structure and function do not agree on the potential impact of this missense change (SIFT: "Deleterious"; PolyPhen-2: "Probably Damaging"; Align-GVGD: "Class C0"). This variant has not been reported in the literature in individuals with QARS-related disease. This variant is not present in population databases (ExAC no frequency). This sequence change replaces arginine with glutamine at codon 463 of the QARS protein (p.Arg463Gln). The arginine residue is highly conserved and there is a small physicochemical difference between arginine and glutamine. This variant also falls at the last nucleotide of exon 15 of the QARS coding sequence, which is part of the consensus splice site for this exon. In summary, the available evidence is currently insufficient to determine the role of this variant in disease. Therefore, it has been classified as a Variant of Uncertain Significance.

Literature cited by the submitters: PubMed 17576681; PubMed 9536098.